The following is an entry in ClinVar:

ClinVar aggregate classification (germline): Benign/Likely benign. Review status: criteria provided, multiple submitters, no conflicts (2 of 4 stars). 11 submissions from 11 submitters: Benign (5); Likely benign (4). 2 of the submissions do not count toward it. Last evaluated 2026-05-01.

Conditions:
Biotin-responsive basal ganglia disease (BTBGD). Also called: Thiamine metabolism dysfunction syndrome type 2; thiamine-responsive encephalopathy; THIAMINE METABOLISM DYSFUNCTION SYNDROME 2 (BIOTIN- AND THIAMINE-RESPONSIVE TYPE); Thiamine Transporter-2 Deficiency; Thiamine metabolism dysfunction syndrome 2 (biotin- or thiamine-responsive encephalopathy type 2). Identifiers: Orphanet 199348, Orphanet 65284, MedGen C1843807, MONDO:0011841, OMIM 607483.

Allele frequency attached by ClinVar (database versions not stated): 1000 Genomes Project 0.00359; 1000 Genomes Project 30x 0.00359; TOPMed 0.00474; ESP Exome Variant Server 0.00500; gnomAD 0.00599 and 0.00618; ExAC 0.00671; gnomAD exomes 0.00695 and 0.00779.
gnomAD v4.1: 12,189 of 1,614,170 alleles (0.76%); highest among the groups gnomAD compares: Non-Finnish European, 0.81%; 84 homozygotes.

Submissions (11):

CeGaT Center for Human Genetics Tuebingen
Classification: Likely benign. Last evaluated: 2026-05-01. Review status: criteria provided, single submitter. Criteria: CeGaT Center For Human Genetics Tuebingen Variant Classification Criteria Version 2. Collection method: clinical testing. Allele origin: germline. Affected: yes. Observed: 17 variant alleles.
Comment: SLC19A3: BP4, BP7, BS2

Labcorp Genetics (formerly Invitae), Labcorp
Classification: Benign for Biotin-responsive basal ganglia disease. Last evaluated: 2026-02-04. Review status: criteria provided, single submitter. Criteria: Invitae Variant Classification Sherloc (09022015). Collection method: clinical testing. Allele origin: germline.

Fulgent Genetics
Classification: Likely benign for Biotin-responsive basal ganglia disease. Last evaluated: 2021-09-08. Review status: criteria provided, single submitter. Criteria: ACMG Guidelines, 2015. Collection method: clinical testing. Allele origin: unknown.

Illumina Laboratory Services, Illumina
Classification: Likely benign for Biotin-responsive basal ganglia disease. Last evaluated: 2018-01-13. Review status: criteria provided, single submitter. Criteria: ICSL Variant Classification Criteria 13 December 2019. Collection method: clinical testing. Allele origin: germline.
Comment: This variant was observed in the ICSL laboratory as part of a predisposition screen in an ostensibly healthy population. It had not been previously curated by ICSL or reported in the Human Gene Mutation Database (HGMD: prior to June 1st, 2018), and was therefore a candidate for classification through an automated scoring system. Utilizing variant allele frequency, disease prevalence and penetrance estimates, and inheritance mode, an automated score was calculated to assess if this variant is too frequent to cause the disease. Based on the score and internal cut-off values, a variant classified as likely benign is not then subjected to further curation. The score for this variant resulted in a classification of likely benign for this disease.

Athena Diagnostics
Classification: Benign. Last evaluated: 2017-09-25. Review status: criteria provided, single submitter. Criteria: Athena Diagnostics Criteria. Collection method: clinical testing. Allele origin: germline.

Eurofins Ntd Llc (ga)
Classification: Benign. Last evaluated: 2014-07-21. Review status: criteria provided, single submitter. Criteria: EGL Classification Definitions 2015. Collection method: clinical testing. Allele origin: germline. Observed: 1 variant allele, 1 heterozygote.

GeneDx
Classification: Benign. Last evaluated: 2013-11-26. Review status: criteria provided, single submitter. Criteria: GeneDx Variant Classification (06012015). Collection method: clinical testing. Allele origin: germline. Affected: yes.
Comment: This variant is considered likely benign or benign based on one or more of the following criteria: it is a conservative change, it occurs at a poorly conserved position in the protein, it is predicted to be benign by multiple in silico algorithms, and/or has population frequency not consistent with disease.

Breakthrough Genomics
Classification: Likely benign. Review status: criteria provided, single submitter. Criteria: ACMG Guidelines, 2015. Collection method: not provided. Allele origin: germline. Inheritance: Autosomal recessive inheritance. Affected: yes.

PreventionGenetics, part of Exact Sciences
Classification: Benign. Review status: criteria provided, single submitter. Criteria: ACMG Guidelines, 2015. Collection method: clinical testing. Allele origin: germline.

Mayo Clinic Laboratories, Mayo Clinic
Classification: Benign. Last evaluated: 2017-11-08. Review status: no assertion criteria provided. Collection method: clinical testing. Allele origin: unknown. Not counted in ClinVar's aggregate classification.

Genetic Services Laboratory, University of Chicago
Classification: Likely benign for AllHighlyPenetrant. Review status: no assertion criteria provided. Collection method: clinical testing. Allele origin: germline. Inheritance: Autosomal recessive inheritance. Not counted in ClinVar's aggregate classification.
Comment: Likely benign based on allele frequency in 1000 Genomes Project or ESP global frequency and its presence in a patient with a rare or unrelated disease phenotype. NOT Sanger confirmed.

NM_025243.4(SLC19A3):c.309G>A (p.Val103=)

Gene: SLC19A3 (solute carrier family 19 member 3; minus strand). Cytogenetic location: 2q36.3.
Variant type: single nucleotide variant.
Coding change: c.309G>A on transcript NM_025243.4 (MANE Select); coding-DNA position 309, G replaced by A.
Protein change: p.Val103=; no amino-acid change (valine 103 retained).
Molecular consequence: synonymous variant.
Genome position (GRCh38, 1-based): chr2:227,699,406, C>T on the plus strand (G>A on the coding strand, the complement: SLC19A3 is on the minus strand). VCF-style: chr2-227699406-C-T. GRCh37 (hg19) VCF-style: chr2-228564122-C-T.
Other names: p.V103V:GTG>GTA.
Identifiers: ClinVar variation 130321 (VCV000130321.59), dbSNP rs142837989, ClinGen allele CA289045.